The following is an entry in ClinVar:

ClinVar aggregate classification (germline): Uncertain significance (1 of 4 stars; one submission).

Conditions:
Norman-Roberts syndrome (LIS2). Also called: Lissencephaly 2 (Norman-Roberts type). Identifiers: Orphanet 89844, MedGen C0796089, MONDO:0009760, OMIM 257320.
Familial temporal lobe epilepsy 7. Identifiers: Orphanet 101046, MedGen C4225327, MONDO:0014639, OMIM 616436.

Submission:

Labcorp Genetics (formerly Invitae), Labcorp
Classification: Uncertain significance for Familial temporal lobe epilepsy 7; Norman-Roberts syndrome. Last evaluated: 2022-02-08. Review status: criteria provided, single submitter. Criteria: Invitae Variant Classification Sherloc (09022015). Collection method: clinical testing. Allele origin: germline.
Comment: This variant is not present in population databases (gnomAD no frequency). This sequence change replaces glycine, which is neutral and non-polar, with glutamic acid, which is acidic and polar, at codon 2954 of the RELN protein (p.Gly2954Glu). This variant has not been reported in the literature in individuals affected with RELN-related conditions. Algorithms developed to predict the effect of missense changes on protein structure and function are either unavailable or do not agree on the potential impact of this missense change (SIFT: "Deleterious"; PolyPhen-2: "Possibly Damaging"; Align-GVGD: "Class C0"). In summary, the available evidence is currently insufficient to determine the role of this variant in disease. Therefore, it has been classified as a Variant of Uncertain Significance.

NM_005045.4(RELN):c.8861G>A (p.Gly2954Glu)

Genes: SLC26A5-AS1 (SLC26A5 antisense RNA 1; plus strand), RELN (reelin; minus strand). Cytogenetic location: 7q22.1.
Variant type: single nucleotide variant.
Coding change: c.8861G>A on transcript NM_005045.4 (MANE Select); coding-DNA position 8861, G replaced by A.
Protein change: p.Gly2954Glu; replaces glycine 2954 with glutamic acid.
Molecular consequence: missense variant.
Genome position (GRCh38, 1-based): chr7:103,497,909, C>T on the plus strand (G>A on the coding strand, the complement: RELN is on the minus strand). VCF-style: chr7-103497909-C-T. GRCh37 (hg19) VCF-style: chr7-103138356-C-T.
Other names: c.8861G>A, p.Gly2954Glu (NM_173054.3); short protein forms G2954E.
Identifiers: ClinVar variation 2094856 (VCV002094856.4), dbSNP rs2484702742, ClinGen allele CA368752818.